The following is an entry in ClinVar:

ClinVar aggregate classification (germline): Uncertain significance (1 of 4 stars; one submission).

Submission:

Labcorp Genetics (formerly Invitae), Labcorp
Classification: Uncertain significance. Last evaluated: 2024-01-11. Review status: criteria provided, single submitter. Criteria: Invitae Variant Classification Sherloc (09022015). Collection method: clinical testing. Allele origin: germline.
Comment: This sequence change replaces valine, which is neutral and non-polar, with leucine, which is neutral and non-polar, at codon 2904 of the USH2A protein (p.Val2904Leu). This variant is not present in population databases (gnomAD no frequency). This variant has not been reported in the literature in individuals affected with USH2A-related conditions. Advanced modeling of protein sequence and biophysical properties (such as structural, functional, and spatial information, amino acid conservation, physicochemical variation, residue mobility, and thermodynamic stability) performed at Invitae indicates that this missense variant is not expected to disrupt USH2A protein function with a negative predictive value of 95%. Algorithms developed to predict the effect of sequence changes on RNA splicing suggest that this variant may disrupt the consensus splice site. In summary, the available evidence is currently insufficient to determine the role of this variant in disease. Therefore, it has been classified as a Variant of Uncertain Significance.

NM_206933.4(USH2A):c.8710G>T (p.Val2904Leu)

Gene: USH2A (usherin; minus strand). Cytogenetic location: 1q41.
Variant type: single nucleotide variant.
Coding change: c.8710G>T on transcript NM_206933.4 (MANE Select); coding-DNA position 8710, G replaced by T.
Protein change: p.Val2904Leu; replaces valine 2904 with leucine.
Molecular consequence: missense variant.
Genome position (GRCh38, 1-based): chr1:215,867,142, C>A on the plus strand (G>T on the coding strand, the complement: USH2A is on the minus strand). VCF-style: chr1-215867142-C-A. GRCh37 (hg19) VCF-style: chr1-216040484-C-A.
Other names: short protein forms V2904L.
Identifiers: ClinVar variation 2738229 (VCV002738229.3), dbSNP rs142649882, ClinGen allele CA344851469.